The following is an entry in ClinVar:

ClinVar aggregate classification (germline): Uncertain significance (1 of 4 stars; one submission).

Allele frequency attached by ClinVar (database versions not stated): TOPMed below 0.00001; gnomAD exomes 0.00001.
gnomAD v4.1: 10 of 1,614,008 alleles (0.00062%); highest among the groups gnomAD compares: East Asian, 0.0022%; no homozygotes.

Submission:

Labcorp Genetics (formerly Invitae), Labcorp
Classification: Uncertain significance. Last evaluated: 2024-07-17. Review status: criteria provided, single submitter. Criteria: Invitae Variant Classification Sherloc (09022015). Collection method: clinical testing. Allele origin: germline.
Comment: This sequence change replaces glycine, which is neutral and non-polar, with serine, which is neutral and polar, at codon 317 of the CSF2RB protein (p.Gly317Ser). This variant is not present in population databases (gnomAD no frequency). This variant has not been reported in the literature in individuals affected with CSF2RB-related conditions. ClinVar contains an entry for this variant (Variation ID: 1918467). Advanced modeling of protein sequence and biophysical properties (such as structural, functional, and spatial information, amino acid conservation, physicochemical variation, residue mobility, and thermodynamic stability) performed at Invitae indicates that this missense variant is not expected to disrupt CSF2RB protein function with a negative predictive value of 80%. In summary, the available evidence is currently insufficient to determine the role of this variant in disease. Therefore, it has been classified as a Variant of Uncertain Significance.

NM_000395.3(CSF2RB):c.949G>A (p.Gly317Ser)

Gene: CSF2RB (colony stimulating factor 2 receptor subunit beta; plus strand). Cytogenetic location: 22q12.3.
Variant type: single nucleotide variant.
Coding change: c.949G>A on transcript NM_000395.3 (MANE Select); coding-DNA position 949, G replaced by A.
Protein change: p.Gly317Ser; replaces glycine 317 with serine.
Molecular consequence: missense variant.
Genome position (GRCh38, 1-based): chr22:36,930,767, G>A. VCF-style: chr22-36930767-G-A. GRCh37 (hg19) VCF-style: chr22-37326809-G-A.
Other names: c.967G>A, p.Gly323Ser (NM_001410827.1); short protein forms G317S, G323S.
Identifiers: ClinVar variation 1918467 (VCV001918467.5), dbSNP rs1333868953, ClinGen allele CA411408239.